The following is an entry in ClinVar:

NM_003482.4(KMT2D):c.5786G>A (p.Gly1929Glu)

Gene: KMT2D (lysine methyltransferase 2D; minus strand). Cytogenetic location: 12q13.12.
Variant type: single nucleotide variant.
Coding change: c.5786G>A on transcript NM_003482.4 (MANE Select); coding-DNA position 5786, G replaced by A.
Protein change: p.Gly1929Glu; replaces glycine 1929 with glutamic acid.
Molecular consequence: missense variant.
Genome position (GRCh38, 1-based): chr12:49,042,642, C>T on the plus strand (G>A on the coding strand, the complement: KMT2D is on the minus strand). VCF-style: chr12-49042642-C-T. GRCh37 (hg19) VCF-style: chr12-49436425-C-T.
Other names: short protein forms G1929E.
Identifiers: ClinVar variation 1502720 (VCV001502720.8), dbSNP rs2120558134, ClinGen allele CA384628498.
Genomic context (GRCh38, chr12:49,042,642, plus strand): 5'-TGGCAGAGGCCTGGGTAGGAGTCCATTGGGCTGCTGGAGGGCAGATTGCCCAAAGGGAGT[C>T]CACCTACAAGACGGACAGGATCAGAGAAAAGAGCAACTGGCCCATCCTGGAGGCAAGCTT-3'
Protein context (NP_003473.3, residues 1919-1939): TPLQRPFLQG[Gly1929Glu]LPLGNLPSSS

ClinVar aggregate classification (germline): Uncertain significance (1 of 4 stars; one submission).

Conditions:
Kabuki syndrome. Also called: NIIKAWA-KUROKI SYNDROME; Kabuki make-up syndrome. Identifiers: Orphanet 2322, MedGen C0796004, MONDO:0016512.

Submission:

Labcorp Genetics (formerly Invitae), Labcorp
Classification: Uncertain significance for Kabuki syndrome. Last evaluated: 2020-11-23. Review status: criteria provided, single submitter. Criteria: Invitae Variant Classification Sherloc (09022015). Collection method: clinical testing. Allele origin: germline.
Comment: This sequence change replaces glycine with glutamic acid at codon 1929 of the KMT2D protein (p.Gly1929Glu). The glycine residue is moderately conserved and there is a moderate physicochemical difference between glycine and glutamic acid. This variant is not present in population databases (ExAC no frequency). This variant has not been reported in the literature in individuals with KMT2D-related conditions. Advanced modeling of protein sequence and biophysical properties (such as structural, functional, and spatial information, amino acid conservation, physicochemical variation, residue mobility, and thermodynamic stability) performed at Invitae indicates that this missense variant is not expected to disrupt KMT2D protein function. In summary, the available evidence is currently insufficient to determine the role of this variant in disease. Therefore, it has been classified as a Variant of Uncertain Significance.